The following is an entry in ClinVar:

ClinVar aggregate classification (germline): Uncertain significance (1 of 4 stars; one submission).

Conditions:
Cardiovascular phenotype. Identifiers: MedGen CN230736.

Submission:

Ambry Genetics
Classification: Uncertain significance for Cardiovascular phenotype. Last evaluated: 2022-11-19. Review status: criteria provided, single submitter. Criteria: Ambry Variant Classification Scheme 2023. Collection method: clinical testing. Allele origin: germline.
Comment: The p.D1411V variant (also known as c.4232A>T), located in coding exon 15 of the AKAP9 gene, results from an A to T substitution at nucleotide position 4232. The aspartic acid at codon 1411 is replaced by valine, an amino acid with highly dissimilar properties. This amino acid position is conserved. In addition, this alteration is predicted to be tolerated by in silico analysis. Since supporting evidence is limited at this time, the clinical significance of this alteration remains unclear.

NM_005751.5(AKAP9):c.4232A>T (p.Asp1411Val)

Gene: AKAP9 (A-kinase anchoring protein 9; plus strand). Cytogenetic location: 7q21.2.
Variant type: single nucleotide variant.
Coding change: c.4232A>T on transcript NM_005751.5 (MANE Select); coding-DNA position 4232, A replaced by T.
Protein change: p.Asp1411Val; replaces aspartic acid 1411 with valine.
Molecular consequence: missense variant.
Genome position (GRCh38, 1-based): chr7:92,029,978, A>T. VCF-style: chr7-92029978-A-T. GRCh37 (hg19) VCF-style: chr7-91659292-A-T.
Other names: c.4232A>T, p.Asp1411Val (NM_147185.3); short protein forms D1411V.
Identifiers: ClinVar variation 2449738 (VCV002449738.2), dbSNP rs2484781081, ClinGen allele CA368128273.
Genomic context (GRCh38, chr7:92,029,978, plus strand): 5'-TTACAGAATCTGATGCACAGAGAACAATGTACCCTGGAAGTTGTGTGAAAAAGAATATTG[A>T]TGGTACAATAGAGGTATTATATTTTTAATTTTTATCTTTTAACTGTTATATACACTGATT-3'
Protein context (NP_005742.4, residues 1401-1421): YPGSCVKKNI[Asp1411Val]GTIEFSGEFG